The following is an entry in ClinVar:

NM_001283009.2(RTEL1):c.3122G>A (p.Ser1041Asn)

Genes: RTEL1 (regulator of telomere elongation helicase 1; plus strand), RTEL1-TNFRSF6B (RTEL1-TNFRSF6B readthrough (NMD candidate); plus strand). Cytogenetic location: 20q13.33.
Variant type: single nucleotide variant.
Coding change: c.3122G>A on transcript NM_001283009.2 (MANE Select); coding-DNA position 3122, G replaced by A.
Protein change: p.Ser1041Asn; replaces serine 1041 with asparagine.
Molecular consequence: missense variant. On other transcripts: non-coding transcript variant (1).
Genome position (GRCh38, 1-based): chr20:63,694,753, G>A. VCF-style: chr20-63694753-G-A. GRCh37 (hg19) VCF-style: chr20-62326106-G-A.
Other names: c.2453G>A, p.Ser818Asn (NM_001283010.1); c.3122G>A, p.Ser1041Asn (NM_016434.4); c.3194G>A, p.Ser1065Asn (NM_032957.5); short protein forms S1041N, S1065N, S818N.
Identifiers: ClinVar variation 4060927 (VCV004060927.2).

ClinVar aggregate classification (germline): Uncertain significance. Review status: criteria provided, single submitter (1 of 4 stars). 2 submissions from 2 submitters: Uncertain significance (1). 1 of the submissions does not count toward it. Last evaluated 2025-09-27.

Conditions:
Dyskeratosis congenita. Identifiers: Orphanet 1775, MedGen C0265965, MONDO:0015780.
Inborn genetic diseases. Identifiers: MedGen C0950123, MeSH D030342.

gnomAD v4.1: 1 of 1,604,432 alleles (0.000062%); highest among the groups gnomAD compares: South Asian, 0.0011%; no homozygotes.

Submissions (2):

Ambry Genetics
Classification: Uncertain significance for Inborn genetic diseases. Last evaluated: 2025-09-27. Review status: criteria provided, single submitter. Criteria: Ambry Variant Classification Scheme 2023. Collection method: clinical testing. Allele origin: germline.
Comment: The p.S1041N variant (also known as c.3122G>A), located in coding exon 31 of the RTEL1 gene, results from a G to A substitution at nucleotide position 3122. The serine at codon 1041 is replaced by asparagine, an amino acid with highly similar properties. This amino acid position is conserved. In addition, this alteration is predicted to be tolerated by in silico analysis. Based on the available evidence, the clinical significance of this variant remains unclear.

Natera, Inc.
Classification: Uncertain significance for Dyskeratosis congenita. Last evaluated: 2025-03-31. Review status: no assertion criteria provided. Collection method: clinical testing. Allele origin: germline. Not counted in ClinVar's aggregate classification.